The following is an entry in ClinVar:

NM_013275.6(ANKRD11):c.6745C>G (p.Arg2249Gly)

Gene: ANKRD11 (ankyrin repeat domain 11; minus strand). Cytogenetic location: 16q24.3.
Variant type: single nucleotide variant.
Coding change: c.6745C>G on transcript NM_013275.6 (MANE Select); coding-DNA position 6745, C replaced by G.
Protein change: p.Arg2249Gly; replaces arginine 2249 with glycine.
Molecular consequence: missense variant.
Genome position (GRCh38, 1-based): chr16:89,279,797, G>C on the plus strand (C>G on the coding strand, the complement: ANKRD11 is on the minus strand). VCF-style: chr16-89279797-G-C. GRCh37 (hg19) VCF-style: chr16-89346205-G-C.
Other names: c.6745C>G, p.Arg2249Gly (NM_001256182.2, NM_001256183.2); short protein forms R2249G.
Identifiers: ClinVar variation 2955578 (VCV002955578.4), dbSNP rs202081612, ClinGen allele CA397150106.
Genomic context (GRCh38, chr16:89,279,797, plus strand): 5'-AGAGGGACGCGGCGGGGGGGCCTTCAGCCTCAGCCCCCTGGTCTCCGCTCCCCAGTGGGC[G>C]CTGTTCTGGGGGAACGGGCGCGGGCTCCACGCTGGAGTCCGGATCCCCACGGGCCCTCTC-3'
Protein context (NP_037407.4, residues 2239-2259): VEPAPVPPEQ[Arg2249Gly]PLGSGDQGAE

ClinVar aggregate classification (germline): Uncertain significance. Review status: criteria provided, multiple submitters, no conflicts (2 of 4 stars). 2 submissions from 2 submitters: Uncertain significance (2). Last evaluated 2024-04-04.

Conditions:
KBG syndrome (KBGS). Also called: ANKRD11-Related KBG Syndrome. Identifiers: Orphanet 2332, MedGen C0220687, MONDO:0007846, OMIM 148050.

gnomAD v4.1: 1 of 1,538,542 alleles (0.000065%); highest among the groups gnomAD compares: Admixed American, 0.002%; no homozygotes.

Submissions (2):

Fulgent Genetics
Classification: Uncertain significance for KBG syndrome. Last evaluated: 2024-04-04. Review status: criteria provided, single submitter. Criteria: ACMG Guidelines, 2015. Collection method: clinical testing. Allele origin: germline.

Labcorp Genetics (formerly Invitae), Labcorp
Classification: Uncertain significance for KBG syndrome. Last evaluated: 2023-12-28. Review status: criteria provided, single submitter. Criteria: Invitae Variant Classification Sherloc (09022015). Collection method: clinical testing. Allele origin: germline.
Comment: This sequence change replaces arginine, which is basic and polar, with glycine, which is neutral and non-polar, at codon 2249 of the ANKRD11 protein (p.Arg2249Gly). This variant is not present in population databases (gnomAD no frequency). This variant has not been reported in the literature in individuals affected with ANKRD11-related conditions. Advanced modeling of protein sequence and biophysical properties (such as structural, functional, and spatial information, amino acid conservation, physicochemical variation, residue mobility, and thermodynamic stability) performed at Invitae indicates that this missense variant is not expected to disrupt ANKRD11 protein function with a negative predictive value of 95%. In summary, the available evidence is currently insufficient to determine the role of this variant in disease. Therefore, it has been classified as a Variant of Uncertain Significance.